The following is an entry in ClinVar:

NM_001377458.1(CLCC1):c.586G>A (p.Val196Met)

Gene: CLCC1 (chloride channel CLIC like 1; minus strand). Cytogenetic location: 1p13.3.
Variant type: single nucleotide variant.
Coding change: c.586G>A on transcript NM_001377458.1 (MANE Select); coding-DNA position 586, G replaced by A.
Protein change: p.Val196Met; replaces valine 196 with methionine.
Molecular consequence: missense variant. On other transcripts: non-coding transcript variant (1), intron variant (2).
Genome position (GRCh38, 1-based): chr1:108,943,591, C>T on the plus strand (G>A on the coding strand, the complement: CLCC1 is on the minus strand). VCF-style: chr1-108943591-C-T. GRCh37 (hg19) VCF-style: chr1-109486213-C-T.
Other names: c.586G>A, p.Val196Met (NM_001048210.3, NM_001377459.1, NM_001377460.1 and 8 more transcripts); c.484G>A, p.Val162Met (NM_001377469.1); c.295G>A, p.Val99Met (NM_001377470.1); c.436G>A, p.Val146Met (NM_015127.5); c.340-2093G>A (NM_001278202.2); c.340-3809G>A (NM_001278203.1); c.586G>A (NM_001048210.1); short protein forms V162M, V196M, V146M, V99M.
Identifiers: ClinVar variation 855884 (VCV000855884.8), dbSNP rs201122607, ClinGen allele CA983556.

ClinVar aggregate classification (germline): Uncertain significance. Review status: criteria provided, multiple submitters, no conflicts (2 of 4 stars). 2 submissions from 2 submitters: Uncertain significance (2). Last evaluated 2025-12-08.

Allele frequency attached by ClinVar (database versions not stated): ESP Exome Variant Server 0.00008; gnomAD exomes 0.00014 and 0.00015; TOPMed 0.00014; 1000 Genomes Project 30x 0.00016; ExAC 0.00018; gnomAD 0.00019 and 0.00020; 1000 Genomes Project 0.00020.
gnomAD v4.1: 227 of 1,611,100 alleles (0.014%); highest among the groups gnomAD compares: Non-Finnish European, 0.017%; 1 homozygote.

Submissions (2):

Labcorp Genetics (formerly Invitae), Labcorp
Classification: Uncertain significance. Last evaluated: 2025-12-08. Review status: criteria provided, single submitter. Criteria: Invitae Variant Classification Sherloc (09022015). Collection method: clinical testing. Allele origin: germline.
Comment: This sequence change replaces valine, which is neutral and non-polar, with methionine, which is neutral and non-polar, at codon 196 of the CLCC1 protein (p.Val196Met). This variant is present in population databases (rs201122607, gnomAD 0.03%). This variant has not been reported in the literature in individuals affected with CLCC1-related conditions. ClinVar contains an entry for this variant (Variation ID: 855884). An algorithm developed to predict the effect of missense changes on protein structure and function (PolyPhen-2) suggests that this variant is likely to be disruptive. Algorithms developed to predict the effect of sequence changes on RNA splicing suggest that this variant may disrupt the consensus splice site. In summary, the available evidence is currently insufficient to determine the role of this variant in disease. Therefore, it has been classified as a Variant of Uncertain Significance.

Ambry Genetics
Classification: Uncertain significance. Last evaluated: 2023-09-29. Review status: criteria provided, single submitter. Criteria: Ambry Variant Classification Scheme 2023. Collection method: clinical testing. Allele origin: germline.